The following is an entry in ClinVar:

NC_000006.11:g.(?_162475103)_(162683817_?)del

Gene: PRKN (parkin RBR E3 ubiquitin protein ligase; minus strand). Cytogenetic location: 6q26.
Variant type: Deletion.
Identifiers: ClinVar variation 3246180 (VCV003246180.1).

ClinVar aggregate classification (germline): Pathogenic (1 of 4 stars; one submission).

Submission:

Labcorp Genetics (formerly Invitae), Labcorp
Classification: Pathogenic. Last evaluated: 2023-10-03. Review status: criteria provided, single submitter. Criteria: Invitae Variant Classification Sherloc (09022015). Collection method: clinical testing. Allele origin: unknown.
Comment: This variant is a gross deletion of the genomic region encompassing exon(s) 3-5 of the PRKN gene. This variant would be expected to be in-frame, preserving the integrity of the reading frame. A similar copy number variant has been observed in individual(s) with Parkinson disease (PMID: 12116199, 17324265, 19715670, 21993715, 23880019). This variant disrupts a region of the PRKN protein in which other variant(s) (Deletion (Exon 5)) have been determined to be pathogenic (PMID: 9851438, 19715670, 24677602, 24781841, 27042285). This suggests that this is a clinically significant region of the protein, and that variants that disrupt it are likely to be disease-causing. For these reasons, this variant has been classified as Pathogenic.

Literature cited by the submitters: PubMed 12116199; PubMed 17324265; PubMed 19715670; PubMed 21993715; PubMed 23880019; PubMed 9851438; PubMed 24677602; PubMed 24781841; PubMed 27042285.